The following is an entry in ClinVar:

NM_000443.4(ABCB4):c.1120-8T>A

Gene: ABCB4 (ATP binding cassette subfamily B member 4; minus strand). Cytogenetic location: 7q21.12.
Variant type: single nucleotide variant.
Coding change: c.1120-8T>A on transcript NM_000443.4 (MANE Select); 8 bases into the intron before coding-DNA position 1120, T replaced by A.
Molecular consequence: intron variant.
Genome position (GRCh38, 1-based): chr7:87,443,781, A>T on the plus strand (T>A on the coding strand, the complement: ABCB4 is on the minus strand). VCF-style: chr7-87443781-A-T. GRCh37 (hg19) VCF-style: chr7-87073097-A-T.
Other names: c.1120-8T>A (NM_018850.3, NM_018849.3, NM_000443.3).
Identifiers: ClinVar variation 497639 (VCV000497639.6), dbSNP rs1554407521, ClinGen allele CA658796959.

ClinVar aggregate classification (germline): Uncertain significance. Review status: criteria provided, multiple submitters, no conflicts (2 of 4 stars). 2 submissions from 2 submitters: Uncertain significance (2). Last evaluated 2024-11-09.

Conditions:
ABCB4-related disorder. Also called: ABCB4-related disorders; ABCB4-related condition.

Allele frequency attached by ClinVar (database versions not stated): TOPMed below 0.00001.

Submissions (2):

PreventionGenetics, part of Exact Sciences
Classification: Uncertain significance for ABCB4-related condition. Last evaluated: 2024-11-09. Review status: criteria provided, single submitter. Criteria: ACMG Guidelines, 2015. Collection method: clinical testing. Allele origin: germline.
Comment: The ABCB4 c.1120-8T>A variant is predicted to interfere with splicing. To our knowledge, this variant has not been reported in the literature or in a large population database (gnomAD), indicating this variant is rare. At this time, the clinical significance of this variant is uncertain due to the absence of conclusive functional and genetic evidence.

Eurofins Ntd Llc (ga)
Classification: Uncertain significance. Last evaluated: 2016-09-27. Review status: criteria provided, single submitter. Criteria: EGL Classification Definitions 2015. Collection method: clinical testing. Allele origin: germline. Observed: 1 variant allele, 1 heterozygote.